The following is an entry in ClinVar:

NM_006944.3(SPP2):c.232A>G (p.Asn78Asp)

Gene: SPP2 (secreted phosphoprotein 2; plus strand). Cytogenetic location: 2q37.1.
Variant type: single nucleotide variant.
Coding change: c.232A>G on transcript NM_006944.3 (MANE Select); coding-DNA position 232, A replaced by G.
Protein change: p.Asn78Asp; replaces asparagine 78 with aspartic acid.
Molecular consequence: missense variant.
Genome position (GRCh38, 1-based): chr2:234,058,857, A>G. VCF-style: chr2-234058857-A-G. GRCh37 (hg19) VCF-style: chr2-234967501-A-G.
Other names: short protein forms N78D.
Identifiers: ClinVar variation 1480491 (VCV001480491.8), dbSNP rs1300520957, ClinGen allele CA351101702.
Genomic context (GRCh38, chr2:234,058,857, plus strand): 5'-AATGCATTGATCACACTCTGAAACTTTATTTTTGTGAAGGTTGAGGTCCTAGATGAGAAC[A>G]ACTTGGTCATGAATTTAGAGTTCAGCATCCGGGAGACTACATGCAGGAAGGATTCTGGAG-3'
Protein context (NP_008875.1, residues 68-88): LKRVEVLDEN[Asn78Asp]LVMNLEFSIR

ClinVar aggregate classification (germline): Uncertain significance (1 of 4 stars; one submission).

Allele frequency attached by ClinVar (database versions not stated): gnomAD 0.00001; TOPMed 0.00002.
gnomAD v4.1: 1 of 1,613,946 alleles (0.000062%); highest among the groups gnomAD compares: African/African-American, 0.0013%; no homozygotes.

Submission:

Labcorp Genetics (formerly Invitae), Labcorp
Classification: Uncertain significance. Last evaluated: 2023-07-07. Review status: criteria provided, single submitter. Criteria: Invitae Variant Classification Sherloc (09022015). Collection method: clinical testing. Allele origin: germline.
Comment: This sequence change replaces asparagine, which is neutral and polar, with aspartic acid, which is acidic and polar, at codon 78 of the SPP2 protein (p.Asn78Asp). This variant is not present in population databases (gnomAD no frequency). This variant has not been reported in the literature in individuals affected with SPP2-related conditions. ClinVar contains an entry for this variant (Variation ID: 1480491). Algorithms developed to predict the effect of missense changes on protein structure and function output the following: SIFT: "Not Available"; PolyPhen-2: "Benign"; Align-GVGD: "Not Available". The aspartic acid amino acid residue is found in multiple mammalian species, which suggests that this missense change does not adversely affect protein function. In summary, the available evidence is currently insufficient to determine the role of this variant in disease. Therefore, it has been classified as a Variant of Uncertain Significance.